The following is an entry in ClinVar:

ClinVar aggregate classification (germline): Uncertain significance (1 of 4 stars; one submission).

Conditions:
Hypoplastic left heart syndrome. Also called: Hypoplastic left heart; Hypoplastic left ventricle. Identifiers: Orphanet 2248, MedGen C0152101, MONDO:0004933, HP:0004383.

gnomAD v4.1: 3 of 1,599,108 alleles (0.00019%); highest among the groups gnomAD compares: Non-Finnish European, 0.00017%; no homozygotes.

Submission:

Labcorp Genetics (formerly Invitae), Labcorp
Classification: Uncertain significance for Hypoplastic left heart syndrome. Last evaluated: 2025-05-30. Review status: criteria provided, single submitter. Criteria: Invitae Variant Classification Sherloc (09022015). Collection method: clinical testing. Allele origin: germline.
Comment: This sequence change replaces glycine, which is neutral and non-polar, with arginine, which is basic and polar, at codon 30 of the HAND1 protein (p.Gly30Arg). This variant is present in population databases (no rsID available, gnomAD 0.001%). This variant has not been reported in the literature in individuals affected with HAND1-related conditions. An algorithm developed to predict the effect of missense changes on protein structure and function (PolyPhen-2) suggests that this variant is likely to be tolerated. In summary, the available evidence is currently insufficient to determine the role of this variant in disease. Therefore, it has been classified as a Variant of Uncertain Significance.

NM_004821.3(HAND1):c.88G>C (p.Gly30Arg)

Gene: HAND1 (heart and neural crest derivatives expressed 1; minus strand). Cytogenetic location: 5q33.2.
Variant type: single nucleotide variant.
Coding change: c.88G>C on transcript NM_004821.3 (MANE Select); coding-DNA position 88, G replaced by C.
Protein change: p.Gly30Arg; replaces glycine 30 with arginine.
Molecular consequence: missense variant.
Genome position (GRCh38, 1-based): chr5:154,477,921, C>G on the plus strand (G>C on the coding strand, the complement: HAND1 is on the minus strand). VCF-style: chr5-154477921-C-G. GRCh37 (hg19) VCF-style: chr5-153857481-C-G.
Other names: short protein forms G30R.
Identifiers: ClinVar variation 4739267 (VCV004739267.1).
Genomic context (GRCh38, chr5:154,477,921, plus strand): 5'-CCGGGCTCAGCAGCCAGCTCTGGAAGTAGGGCCTTTCCTGATGACAGCGCGAGGCCGGAC[C>G]GAAGAGGAAGGGTTCGTGGAGCATGGGGTGCGCAGGGTGCGGGTGGTGATGGTGGTGATG-3'
Protein context (NP_004812.1, residues 20-40): HPMLHEPFLF[Gly30Arg]PASRCHQERP